The following is an entry in ClinVar:

NM_015213.4(DENND5A):c.675A>G (p.Gln225=)

Gene: DENND5A (DENN domain containing 5A; minus strand). Cytogenetic location: 11p15.4.
Variant type: single nucleotide variant.
Coding change: c.675A>G on transcript NM_015213.4 (MANE Select); coding-DNA position 675, A replaced by G.
Protein change: p.Gln225=; no amino-acid change (glutamine 225 retained).
Molecular consequence: synonymous variant. On other transcripts: non-coding transcript variant (1).
Genome position (GRCh38, 1-based): chr11:9,203,934, T>C on the plus strand (A>G on the coding strand, the complement: DENND5A is on the minus strand). VCF-style: chr11-9203934-T-C. GRCh37 (hg19) VCF-style: chr11-9225481-T-C.
Other names: c.675A>G, p.Gln225= (NM_001243254.2, NM_001348748.1); c.603A>G, p.Gln201= (NM_001348749.2); c.387A>G, p.Gln129= (NM_001348750.2).
Identifiers: ClinVar variation 2975079 (VCV002975079.4), dbSNP rs964003655, ClinGen allele CA217547696.

ClinVar aggregate classification (germline): Likely benign. Review status: criteria provided, multiple submitters, no conflicts (2 of 4 stars). 2 submissions from 2 submitters: Likely benign (2). Last evaluated 2026-07-01.

Allele frequency attached by ClinVar (database versions not stated): TOPMed below 0.00001.
gnomAD v4.1: 9 of 1,613,526 alleles (0.00056%); highest among the groups gnomAD compares: African/African-American, 0.0053%; no homozygotes.

Submissions (2):

CeGaT Center for Human Genetics Tuebingen
Classification: Likely benign. Last evaluated: 2026-07-01. Review status: criteria provided, single submitter. Criteria: CeGaT Center For Human Genetics Tuebingen Variant Classification Criteria Version 2. Collection method: clinical testing. Allele origin: germline. Affected: yes. Observed: 1 variant allele.
Comment: DENND5A: BP4, BP7

Labcorp Genetics (formerly Invitae), Labcorp
Classification: Likely benign. Last evaluated: 2023-01-20. Review status: criteria provided, single submitter. Criteria: Invitae Variant Classification Sherloc (09022015). Collection method: clinical testing. Allele origin: germline.